The following is an entry in ClinVar:

NM_000256.3(MYBPC3):c.214_215dup (p.Pro73fs)

Gene: MYBPC3 (myosin binding protein C3; minus strand). Cytogenetic location: 11p11.2.
Variant type: Duplication.
Coding change: c.214_215dup on transcript NM_000256.3 (MANE Select); coding-DNA positions 214 to 215, 2 bases duplicated (GG; older notation c.214_215dupGG).
Protein change: p.Pro73fs; shifts the reading frame from proline 73.
Molecular consequence: frameshift variant.
Genome position (GRCh38, 1-based): chr11:47,351,316-47,351,317, CC duplicated on the plus strand (GG on the coding strand, the reverse complement: MYBPC3 is on the minus strand); duplicating any 2 consecutive bases within chr11:47,351,316-47,351,318 gives the same sequence; the c. name uses the placement nearest the transcript's 3' end. VCF-style (leftmost placement, unchanged base first): chr11-47351315-G-GCC. GRCh37 (hg19) VCF-style: chr11-47372866-G-GCC.
Other names: p.Pro73AlafsX24; c.214_215dup, p.Pro73fs (LRG_386t1); c.214_215dupGG (NM_000256.3); short protein forms P73fs.
Identifiers: ClinVar variation 179537 (VCV000179537.10), dbSNP rs730880362, ClinGen allele CA273635.

ClinVar aggregate classification (germline): Pathogenic/Likely pathogenic. Review status: criteria provided, multiple submitters, no conflicts (2 of 4 stars). 4 submissions from 4 submitters: Pathogenic (2); Likely pathogenic (1). 1 of the submissions does not count toward it. Last evaluated 2023-01-09.

Conditions:
MYBPC3-related disorder. Also called: MYBPC3-related disorders; MYBPC3-related condition; MYBPC3-related disease.
Cardiomyopathy (CMYO). Also called: Cardiomyopathies. Identifiers: Orphanet 167848, MedGen C0878544, MONDO:0004994, HP:0001638. Inheritance: Various modes of inheritance.
Hypertrophic cardiomyopathy. Also called: HYPERTROPHIC MYOCARDIOPATHY. Identifiers: Orphanet 217569, MedGen C0007194, MeSH D002312, MONDO:0005045, HP:0001639.

Submissions (4):

Labcorp Genetics (formerly Invitae), Labcorp
Classification: Pathogenic for Hypertrophic cardiomyopathy. Last evaluated: 2023-01-09. Review status: criteria provided, single submitter. Criteria: Invitae Variant Classification Sherloc (09022015). Collection method: clinical testing. Allele origin: germline.
Comment: This sequence change creates a premature translational stop signal (p.Pro73Alafs*24) in the MYBPC3 gene. It is expected to result in an absent or disrupted protein product. Loss-of-function variants in MYBPC3 are known to be pathogenic (PMID: 19574547). This variant is not present in population databases (gnomAD no frequency). This variant has not been reported in the literature in individuals affected with MYBPC3-related conditions. ClinVar contains an entry for this variant (Variation ID: 179537). For these reasons, this variant has been classified as Pathogenic.

CHEO Genetics Diagnostic Laboratory, Children's Hospital of Eastern Ontario
Classification: Likely pathogenic for Cardiomyopathy. Last evaluated: 2022-03-31. Review status: criteria provided, single submitter. Criteria: ACMG Guidelines, 2015. Collection method: clinical testing. Allele origin: germline.

Laboratory for Molecular Medicine, Mass General Brigham Personalized Medicine
Classification: Pathogenic for Hypertrophic cardiomyopathy. Last evaluated: 2014-02-06. Review status: criteria provided, single submitter. Criteria: LMM Criteria. Collection method: clinical testing. Allele origin: germline. Inheritance: Autosomal dominant inheritance. Observed: 1 variant allele.
Comment: The Pro73fs variant in MYBPC3 has not been previously reported in individuals wi th cardiomyopathy. Data from large population studies is insufficient to assess the frequency of this variant. This frameshift variant is predicted to alter the protein?s amino acid sequence beginning at position 73 and lead to a premature termination codon 24 amino acids downstream. This alteration is then predicted t o lead to a truncated or absent protein. Heterozygous loss of function of the MY BPC3 gene is an established disease mechanism in individuals with HCM. In summar y, this variant meets our criteria to be classified as pathogenic (.) based upon the predicted impact of the variant.

PreventionGenetics, part of Exact Sciences
Classification: Likely pathogenic for MYBPC3-related condition. Last evaluated: 2024-03-03. Review status: no assertion criteria provided. Collection method: clinical testing. Allele origin: germline. Not counted in ClinVar's aggregate classification.
Comment: The MYBPC3 c.214_215dupGG variant is predicted to result in a frameshift and premature protein termination (p.Pro73Alafs*24). This variant was documented as a disease-causing variant in a study referring to the classification in the ClinVar database (Table S1, Carrier et al. 2021. PubMed ID: 33049255). This variant has not been reported in a large population database, indicating this variant is rare. Frameshift variants in MYBPC3 are expected to be pathogenic. This variant is interpreted as likely pathogenic.

Literature cited by the submitters: PubMed 19574547 (cited by Labcorp Genetics (formerly Invitae), Labcorp).